The following is an entry in ClinVar:

NM_172362.3(KCNH1):c.1606G>A (p.Val536Ile)

Gene: KCNH1 (potassium voltage-gated channel subfamily H member 1; minus strand). Cytogenetic location: 1q32.2.
Variant type: single nucleotide variant.
Coding change: c.1606G>A on transcript NM_172362.3 (MANE Select); coding-DNA position 1606, G replaced by A.
Protein change: p.Val536Ile; replaces valine 536 with isoleucine.
Molecular consequence: missense variant.
Genome position (GRCh38, 1-based): chr1:210,804,023, C>T on the plus strand (G>A on the coding strand, the complement: KCNH1 is on the minus strand). VCF-style: chr1-210804023-C-T. GRCh37 (hg19) VCF-style: chr1-210977365-C-T.
Other names: c.1525G>A, p.Val509Ile (NM_002238.4); short protein forms V509I, V536I.
Identifiers: ClinVar variation 3669295 (VCV003669295.2).
Genomic context (GRCh38, chr1:210,804,023, plus strand): 5'-TTACCTTCTCTGTGTCAATGCCTCTGGACATGGACCAAGTGGACACAATATAATCCATTA[C>T]TCGCTCACTCAATCCTTTTGGCACCTGGTAGAGCTTCAGGAAGTCCCGAACACTGTTGAG-3'
Protein context (NP_758872.1, residues 526-546): YQVPKGLSER[Val536Ile]MDYIVSTWSM

ClinVar aggregate classification (germline): Uncertain significance (1 of 4 stars; one submission).

gnomAD v4.1: 3 of 1,614,110 alleles (0.00019%); highest among the groups gnomAD compares: Non-Finnish European, 0.00025%; no homozygotes.

Submission:

Labcorp Genetics (formerly Invitae), Labcorp
Classification: Uncertain significance. Last evaluated: 2024-04-29. Review status: criteria provided, single submitter. Criteria: Invitae Variant Classification Sherloc (09022015). Collection method: clinical testing. Allele origin: germline.
Comment: This sequence change replaces valine, which is neutral and non-polar, with isoleucine, which is neutral and non-polar, at codon 536 of the KCNH1 protein (p.Val536Ile). This variant is not present in population databases (gnomAD no frequency). This variant has not been reported in the literature in individuals affected with KCNH1-related conditions. Advanced modeling of protein sequence and biophysical properties (such as structural, functional, and spatial information, amino acid conservation, physicochemical variation, residue mobility, and thermodynamic stability) has been performed at Invitae for this missense variant, however the output from this modeling did not meet the statistical confidence thresholds required to predict the impact of this variant on KCNH1 protein function. In summary, the available evidence is currently insufficient to determine the role of this variant in disease. Therefore, it has been classified as a Variant of Uncertain Significance.